The following is an entry in ClinVar:

NM_000092.5(COL4A4):c.3215-1G>A

Gene: COL4A4 (collagen type IV alpha 4 chain; minus strand). Cytogenetic location: 2q36.3.
Variant type: single nucleotide variant.
Coding change: c.3215-1G>A on transcript NM_000092.5 (MANE Select); the canonical splice acceptor site of the intron before coding-DNA position 3215, G replaced by A.
Molecular consequence: splice acceptor variant.
Genome position (GRCh38, 1-based): chr2:227,047,550, C>T on the plus strand (G>A on the coding strand, the complement: COL4A4 is on the minus strand). VCF-style: chr2-227047550-C-T. GRCh37 (hg19) VCF-style: chr2-227912266-C-T.
Identifiers: ClinVar variation 3725322 (VCV003725322.2).

ClinVar aggregate classification (germline): Likely pathogenic (1 of 4 stars; one submission).

Submission:

Labcorp Genetics (formerly Invitae), Labcorp
Classification: Likely pathogenic. Last evaluated: 2024-11-15. Review status: criteria provided, single submitter. Criteria: Invitae Variant Classification Sherloc (09022015). Collection method: clinical testing. Allele origin: germline.
Comment: This sequence change affects an acceptor splice site in intron 34 of the COL4A4 gene. It is expected to disrupt RNA splicing. Variants that disrupt the donor or acceptor splice site typically lead to a loss of protein function (PMID: 16199547), and loss-of-function variants in COL4A4 are known to be pathogenic (PMID: 21196518, 24854265, 25307543). This variant is not present in population databases (gnomAD no frequency). This variant has not been reported in the literature in individuals affected with COL4A4-related conditions. Algorithms developed to predict the effect of sequence changes on RNA splicing suggest that this variant may disrupt the consensus splice site. In summary, the currently available evidence indicates that the variant is pathogenic, but additional data are needed to prove that conclusively. Therefore, this variant has been classified as Likely Pathogenic.

Literature cited by the submitters: PubMed 16199547; PubMed 21196518; PubMed 24854265; PubMed 25307543.